The following is an entry in ClinVar:

ClinVar aggregate classification (germline): Conflicting classifications of pathogenicity. Review status: criteria provided, conflicting classifications (1 of 4 stars). 6 submissions from 6 submitters: Uncertain significance (4); Likely benign (2). Last evaluated 2026-01-04.

Conditions:
Cardiovascular phenotype. Identifiers: MedGen CN230736.
Dilated cardiomyopathy 1HH (CMD1HH). Identifiers: Orphanet 154, MedGen C3151293, MONDO:0013479, OMIM 613881.
Myofibrillar myopathy 6. Identifiers: Orphanet 199340, MedGen C2751831, MONDO:0013061, OMIM 612954.

Allele frequency attached by ClinVar (database versions not stated): gnomAD 0.00006 and 0.00007; ESP Exome Variant Server 0.00008; TOPMed 0.00009; 1000 Genomes Project 30x 0.00016; 1000 Genomes Project 0.00020.
gnomAD v4.1: 73 of 1,613,992 alleles (0.0045%); highest among the groups gnomAD compares: East Asian, 0.078%; no homozygotes.

Submissions (6):

Labcorp Genetics (formerly Invitae), Labcorp
Classification: Likely benign for Dilated cardiomyopathy 1HH; Myofibrillar myopathy 6. Last evaluated: 2026-01-04. Review status: criteria provided, single submitter. Criteria: Invitae Variant Classification Sherloc (09022015). Collection method: clinical testing. Allele origin: germline.

Women's Health and Genetics/Laboratory Corporation of America, LabCorp
Classification: Likely benign. Last evaluated: 2025-06-02. Review status: criteria provided, single submitter. Criteria: LabCorp Variant Classification Summary - May 2015. Collection method: clinical testing. Allele origin: germline.

Ambry Genetics
Classification: Uncertain significance for Cardiovascular phenotype. Last evaluated: 2024-07-10. Review status: criteria provided, single submitter. Criteria: Ambry Variant Classification Scheme 2023. Collection method: clinical testing. Allele origin: germline.
Comment: The p.G192S variant (also known as c.574G>A), located in coding exon 3 of the BAG3 gene, results from a G to A substitution at nucleotide position 574. The glycine at codon 192 is replaced by serine, an amino acid with similar properties. This amino acid position is not well conserved in available vertebrate species. In addition, this alteration is predicted to be tolerated by in silico analysis. Based on the available evidence, the clinical significance of this variant remains unclear.

Fulgent Genetics
Classification: Uncertain significance for Myofibrillar myopathy 6; Dilated cardiomyopathy 1HH. Last evaluated: 2021-10-19. Review status: criteria provided, single submitter. Criteria: ACMG Guidelines, 2015. Collection method: clinical testing. Allele origin: unknown.

ARUP Laboratories, Molecular Genetics and Genomics, ARUP Laboratories
Classification: Uncertain significance. Last evaluated: 2019-12-16. Review status: criteria provided, single submitter. Criteria: ARUP Molecular Germline Variant Investigation Process. Collection method: clinical testing. Allele origin: germline.
Comment: The BAG3 c.574G>A; p.Gly192Ser variant (rs201487919), to our knowledge, is not reported in the medical literature but is reported as uncertain in ClinVar (Variation ID: 471803). This variant is found in the East Asian population with an allele frequency of 0.04% (7/19,920 alleles) in the Genome Aggregation Database. The glycine at codon 192 is moderately conserved, and computational analyses (SIFT, PolyPhen-2) predict that this variant is tolerated. However, given the lack of clinical and functional data, the significance of the p.Gly192Ser variant is uncertain at this time.

GeneDx
Classification: Uncertain significance. Last evaluated: 2019-04-02. Review status: criteria provided, single submitter. Criteria: GeneDx Variant Classification Process June 2021. Collection method: clinical testing. Allele origin: germline. Affected: yes.
Comment: Has not been previously published as pathogenic or benign to our knowledge; In silico analysis, which includes protein predictors and evolutionary conservation, supports that this variant does not alter protein structure/function

NM_004281.4(BAG3):c.574G>A (p.Gly192Ser)

Gene: BAG3 (BAG cochaperone 3; plus strand). Cytogenetic location: 10q26.11.
Variant type: single nucleotide variant.
Coding change: c.574G>A on transcript NM_004281.4 (MANE Select); coding-DNA position 574, G replaced by A.
Protein change: p.Gly192Ser; replaces glycine 192 with serine.
Molecular consequence: missense variant.
Genome position (GRCh38, 1-based): chr10:119,672,321, G>A. VCF-style: chr10-119672321-G-A. GRCh37 (hg19) VCF-style: chr10-121431833-G-A.
Other names: short protein forms G192S.
Identifiers: ClinVar variation 471803 (VCV000471803.23), dbSNP rs201487919, ClinGen allele CA5716368.